The following is an entry in ClinVar:

Conditions:
Breast-ovarian cancer, familial, susceptibility to, 1 (BROVCA1). Also called: BRCA1 Hereditary Breast and Ovarian Cancer; OVARIAN CANCER, SUSCEPTIBILITY TO. Identifiers: Orphanet 145, MedGen C2676676, MONDO:0011450, OMIM 604370. Disease mechanism: loss of function.

Submission:

Brotman Baty Institute, University of Washington
No classification provided (evidence only). Condition: Breast-ovarian cancer, familial 1. Review status: no classification provided. Collection method: in vitro. Allele origin: not applicable. Functional consequence: functionally_normal.
ClinVar note: "not provided" was previously submitted as the classification for the variant. However, the classification appeared to be based only on an observation of functional data so it was converted to no classification on 2025-07-30.

NM_007294.4(BRCA1):c.5455A>G (p.Asn1819Asp)

Gene: BRCA1 (BRCA1 DNA repair associated; minus strand). Cytogenetic location: 17q21.31.
Variant type: single nucleotide variant.
Coding change: c.5455A>G on transcript NM_007294.4 (MANE Select); coding-DNA position 5455, A replaced by G.
Protein change: p.Asn1819Asp; replaces asparagine 1819 with aspartic acid.
Molecular consequence: missense variant. On other transcripts: non-coding transcript variant (1).
Genome position (GRCh38, 1-based): chr17:43,047,655, T>C on the plus strand (A>G on the coding strand, the complement: BRCA1 is on the minus strand). VCF-style: chr17-43047655-T-C. GRCh37 (hg19) VCF-style: chr17-41199672-T-C.
Other names: c.5242A>G, p.Asn1748Asp (NM_001407571.1, NM_001407907.1, NM_001407908.1 and 12 more transcripts); c.5521A>G, p.Asn1841Asp (NM_001407581.1, NM_001407582.1); c.5518A>G, p.Asn1840Asp (NM_001407583.1, NM_001407585.1, NM_001407587.1 and 1 more transcripts); c.5515A>G, p.Asn1839Asp (NM_001407590.1, NM_001407591.1); c.5455A>G, p.Asn1819Asp (NM_001407593.1, NM_001407594.1, NM_001407596.1 and 5 more transcripts); c.5452A>G, p.Asn1818Asp (NM_001407614.1, NM_001407615.1, NM_001407616.1 and 14 more transcripts); c.5449A>G, p.Asn1817Asp (NM_001407633.1, NM_001407634.1, NM_001407635.1 and 13 more transcripts); c.5377A>G, p.Asn1793Asp (NM_001407655.1, NM_001407652.1, NM_001407653.1 and 1 more transcripts); and 83 more; short protein forms N1840D, N1772D, N715D, N1819D, Q690R, N1706D, N1731D, N1751D.
Identifiers: ClinVar variation 868510 (VCV000868510.3), dbSNP rs2050979993, ClinGen allele CA10590472.